The following is an entry in ClinVar:

ClinVar aggregate classification (germline): Uncertain significance (1 of 4 stars; one submission).

Conditions:
Hereditary cancer-predisposing syndrome. Also called: Tumor predisposition; Hereditary neoplastic syndrome; Hereditary Cancer Syndrome; Neoplastic Syndromes, Hereditary. Identifiers: Orphanet 140162, MedGen C0027672, MeSH D009386, MONDO:0015356.

Submission:

Ambry Genetics
Classification: Uncertain significance for Hereditary cancer-predisposing syndrome. Last evaluated: 2024-03-09. Review status: criteria provided, single submitter. Criteria: Ambry Variant Classification Scheme 2023. Collection method: clinical testing. Allele origin: germline.
Comment: The p.G426A variant (also known as c.1277G>C), located in coding exon 10 of the POLD1 gene, results from a G to C substitution at nucleotide position 1277. The glycine at codon 426 is replaced by alanine, an amino acid with similar properties. This amino acid position is conserved. In addition, this alteration is predicted to be tolerated by in silico analysis. Based on the available evidence, the clinical significance of this alteration remains unclear.

NM_002691.4(POLD1):c.1277G>C (p.Gly426Ala)

Gene: POLD1 (DNA polymerase delta 1, catalytic subunit; plus strand). Cytogenetic location: 19q13.33.
Variant type: single nucleotide variant.
Coding change: c.1277G>C on transcript NM_002691.4 (MANE Select); coding-DNA position 1277, G replaced by C.
Protein change: p.Gly426Ala; replaces glycine 426 with alanine.
Molecular consequence: missense variant. On other transcripts: non-coding transcript variant (1).
Genome position (GRCh38, 1-based): chr19:50,406,216, G>C. VCF-style: chr19-50406216-G-C. GRCh37 (hg19) VCF-style: chr19-50909473-G-C.
Other names: c.1277G>C, p.Gly426Ala (NM_001256849.1, NM_001308632.1); short protein forms G426A.
Identifiers: ClinVar variation 3222693 (VCV003222693.1), dbSNP rs2513991194, ClinGen allele CA406979779.